The following is an entry in ClinVar:

NM_014862.4(ARNT2):c.497C>G (p.Ser166Cys)

Gene: ARNT2 (aryl hydrocarbon receptor nuclear translocator 2; plus strand). Cytogenetic location: 15q25.1.
Variant type: single nucleotide variant.
Coding change: c.497C>G on transcript NM_014862.4 (MANE Select); coding-DNA position 497, C replaced by G.
Protein change: p.Ser166Cys; replaces serine 166 with cysteine.
Molecular consequence: missense variant.
Genome position (GRCh38, 1-based): chr15:80,475,098, C>G. VCF-style: chr15-80475098-C-G. GRCh37 (hg19) VCF-style: chr15-80767439-C-G.
Other names: short protein forms S166C.
Identifiers: ClinVar variation 1504053 (VCV001504053.6), dbSNP rs1327764647, ClinGen allele CA393654317.

ClinVar aggregate classification (germline): Uncertain significance (1 of 4 stars; one submission).

Allele frequency attached by ClinVar (database versions not stated): gnomAD exomes below 0.00001; gnomAD 0.00006.
gnomAD v4.1: 13 of 1,614,070 alleles (0.00081%); highest among the groups gnomAD compares: South Asian, 0.0011%; no homozygotes.

Submission:

Labcorp Genetics (formerly Invitae), Labcorp
Classification: Uncertain significance. Last evaluated: 2023-07-07. Review status: criteria provided, single submitter. Criteria: Invitae Variant Classification Sherloc (09022015). Collection method: clinical testing. Allele origin: germline.
Comment: In summary, the available evidence is currently insufficient to determine the role of this variant in disease. Therefore, it has been classified as a Variant of Uncertain Significance. An algorithm developed to predict the effect of missense changes on protein structure and function (PolyPhen-2) suggests that this variant is likely to be disruptive. ClinVar contains an entry for this variant (Variation ID: 1504053). This variant has not been reported in the literature in individuals affected with ARNT2-related conditions. This variant is present in population databases (no rsID available, gnomAD 0.05%). This sequence change replaces serine, which is neutral and polar, with cysteine, which is neutral and slightly polar, at codon 166 of the ARNT2 protein (p.Ser166Cys).